The following is an entry in ClinVar:

NM_001080517.3(SETD5):c.905G>A (p.Arg302His)

Gene: SETD5 (SET domain containing 5; plus strand). Cytogenetic location: 3p25.3.
Variant type: single nucleotide variant.
Coding change: c.905G>A on transcript NM_001080517.3 (MANE Select); coding-DNA position 905, G replaced by A.
Protein change: p.Arg302His; replaces arginine 302 with histidine.
Molecular consequence: missense variant.
Genome position (GRCh38, 1-based): chr3:9,441,687, G>A. VCF-style: chr3-9441687-G-A. GRCh37 (hg19) VCF-style: chr3-9483371-G-A.
Other names: c.611G>A, p.Arg204His (NM_001292043.2, NM_001349451.2); c.1001G>A, p.Arg334His (NM_001437633.1); c.962G>A, p.Arg321His (NM_001437635.1); c.905G>A, p.Arg302His (NM_001437643.1); c.944G>A, p.Arg315His (NM_001437701.1); short protein forms R204H, R302H, R315H, R321H, R334H.
Identifiers: ClinVar variation 4536287 (VCV004536287.2).
Genomic context (GRCh38, chr3:9,441,687, plus strand): 5'-ACCGGAAGATCCTGAGGGCTGCAAGAGATTTGGCTTTGGACACTCTTATAATAGAGTATC[G>A]TGGGAAAGTCATGTTACGACAGCAATTTGAGGTCAATGGGCATTTCTTCAAAAAGTAAGA-3'
Protein context (NP_001073986.1, residues 292-312): LALDTLIIEY[Arg302His]GKVMLRQQFE

ClinVar aggregate classification (germline): Uncertain significance (1 of 4 stars; one submission).

Submission:

GeneDx
Classification: Uncertain significance. Last evaluated: 2026-02-08. Review status: criteria provided, single submitter. Criteria: GeneDx Variant Classification Process June 2021. Collection method: clinical testing. Allele origin: germline.
Comment: Not observed at significant frequency in large population cohorts (gnomAD); In silico analysis supports that this missense variant has a deleterious effect on protein structure/function; Has not been previously published as pathogenic or benign to our knowledge